The following is an entry in ClinVar:

NM_001267550.2(TTN):c.90509T>A (p.Leu30170Ter)

Genes: TTN (titin; minus strand), TTN-AS1 (TTN antisense RNA 1; plus strand). Cytogenetic location: 2q31.2.
Variant type: single nucleotide variant.
Coding change: c.90509T>A on transcript NM_001267550.2 (MANE Select); coding-DNA position 90509, T replaced by A.
Protein change: p.Leu30170Ter; replaces leucine 30170 with a stop codon.
Molecular consequence: nonsense.
Genome position (GRCh38, 1-based): chr2:178,552,391, A>T on the plus strand (T>A on the coding strand, the complement: TTN is on the minus strand). VCF-style: chr2-178552391-A-T. GRCh37 (hg19) VCF-style: chr2-179417118-A-T.
Other names: c.85586T>A, p.Leu28529Ter (NM_001256850.1); c.63314T>A, p.Leu21105Ter (NM_003319.4); c.82805T>A, p.Leu27602Ter (NM_133378.4); c.63689T>A, p.Leu21230Ter (NM_133432.3); c.63890T>A, p.Leu21297Ter (NM_133437.4); short protein forms L21105*, L21230*, L21297*, L27602*, L28529*, L30170*.
Identifiers: ClinVar variation 3767664 (VCV003767664.2).

ClinVar aggregate classification (germline): Pathogenic/Likely pathogenic. Review status: criteria provided, multiple submitters, no conflicts (2 of 4 stars). 2 submissions from 2 submitters: Pathogenic (1); Likely pathogenic (1). Last evaluated 2024-09-10.

Conditions:
Primary dilated cardiomyopathy (DCM). Also called: Dilated Cardiomyopathy. Identifiers: Orphanet 217604, MedGen C0007193, MeSH D002311, MONDO:0005021, HP:0001644. Inheritance: Various modes of inheritance.

Submissions (2):

GeneDx
Classification: Pathogenic. Last evaluated: 2024-09-10. Review status: criteria provided, single submitter. Criteria: GeneDx Variant Classification Process June 2021. Collection method: clinical testing. Allele origin: germline. Affected: yes.
Comment: Nonsense variant predicted to result in protein truncation or nonsense mediated decay in a gene for which loss of function is a known mechanism of disease; Not observed at significant frequency in large population cohorts (gnomAD); Located in the A-band region of TTN in which the majority of loss of function variants have been associated with autosomal dominant titinopathies (PMID: 22335739); Has not been previously published as pathogenic or benign to our knowledge; This variant is associated with the following publications: (PMID: 22335739)

Illumina Laboratory Services, Illumina
Classification: Likely pathogenic for Primary dilated cardiomyopathy. Last evaluated: 2024-01-19. Review status: criteria provided, single submitter. Criteria: ICSLVariantClassificationCriteria RUGD 01 April 2020. Collection method: clinical testing. Allele origin: unknown.
Comment: The TTN c.90509T>A p.(Leu30170Ter) nonsense variant is expected to result in the loss of normal protein function through either protein truncation or nonsense-mediated mRNA decay. This variant is located in exon 335 of the meta transcript of titin within the A-band, which is highly expressed in cardiac tissue (PMID: 25589632). In a meta-analysis of TTN truncating variants in dilated cardiomyopathy patients and controls, variants in this region were associated with a significantly increased risk of developing dilated cardiomyopathy (odds ratio 49.8) (PMID: 27869827). This variant is not observed in version 2.1.1 or version 4.0.0 of the Genome Aggregation Database. Based on the available evidence, the c.90509T>A p.(Leu30170Ter) variant is classified as likely pathogenic for dilated cardiomyopathy.

Literature cited by the submitters: PubMed 25589632 (cited by Illumina Laboratory Services, Illumina); PubMed 27869827 (cited by Illumina Laboratory Services, Illumina).